The following is an entry in ClinVar:

ClinVar aggregate classification (germline): Benign/Likely benign. Review status: criteria provided, multiple submitters, no conflicts (2 of 4 stars). 3 submissions from 3 submitters: Benign (1); Likely benign (2). Last evaluated 2026-06-03.

Conditions:
Hereditary cancer-predisposing syndrome. Also called: Tumor predisposition; Hereditary neoplastic syndrome; Neoplastic Syndromes, Hereditary; Hereditary Cancer Syndrome. Identifiers: Orphanet 140162, MedGen C0027672, MeSH D009386, MONDO:0015356.
Gastrointestinal stromal tumor. Also called: Gastrointestinal stroma tumor; Gastrointestinal stromal tumor, somatic. Identifiers: Orphanet 44890, MedGen C0238198, MeSH D046152, MONDO:0011719, OMIM 606764, HP:0100723.

Allele frequency attached by ClinVar (database versions not stated): gnomAD exomes below 0.00001; TOPMed below 0.00001.
gnomAD v4.1: 4 of 1,599,358 alleles (0.00025%); highest among the groups gnomAD compares: Non-Finnish European, 0.00034%; no homozygotes.

Submissions (3):

Myriad Genetics, Inc.
Classification: Benign for Gastrointestinal stromal tumor. Last evaluated: 2026-06-03. Review status: criteria provided, single submitter. Criteria: Myriad Autosomal Dominant, Autosomal Recessive and X-Linked Classification Criteria (2023). Collection method: clinical testing. Allele origin: unknown.
Comment: This variant is considered benign. This variant is a silent/synonymous amino acid change and it is not expected to impact splicing.

Labcorp Genetics (formerly Invitae), Labcorp
Classification: Likely benign for Gastrointestinal stromal tumor. Last evaluated: 2025-11-18. Review status: criteria provided, single submitter. Criteria: Invitae Variant Classification Sherloc (09022015). Collection method: clinical testing. Allele origin: germline.

Ambry Genetics
Classification: Likely benign for Hereditary cancer-predisposing syndrome. Last evaluated: 2020-01-24. Review status: criteria provided, single submitter. Criteria: Ambry Variant Classification Scheme 2023. Collection method: clinical testing. Allele origin: germline.

NM_000222.3(KIT):c.1011T>C (p.Tyr337=)

Gene: KIT (KIT proto-oncogene, receptor tyrosine kinase; plus strand). Cytogenetic location: 4q12.
Variant type: single nucleotide variant.
Coding change: c.1011T>C on transcript NM_000222.3 (MANE Select); coding-DNA position 1011, T replaced by C.
Protein change: p.Tyr337=; no amino-acid change (tyrosine 337 retained).
Molecular consequence: synonymous variant.
Genome position (GRCh38, 1-based): chr4:54,707,183, T>C. VCF-style: chr4-54707183-T-C. GRCh37 (hg19) VCF-style: chr4-55573349-T-C.
Other names: c.1011T>C, p.Tyr337= (NM_001093772.2, NM_001385285.1, NM_001385286.1); c.1014T>C, p.Tyr338= (NM_001385284.1, NM_001385288.1, NM_001385290.1 and 1 more transcripts).
Identifiers: ClinVar variation 458849 (VCV000458849.15), dbSNP rs777287699, ClinGen allele CA96855358.
Genomic context (GRCh38, chr4:54,707,183, plus strand): 5'-CATGATAAACACTACAGTATTTGTAAACGATGGAGAAAATGTAGATTTGATTGTTGAATA[T>C]GAAGCATTCCCCAAACCTGAACACCAGCAGTGGATCTATATGAACAGAACCTTCACTGAT-3'
Protein context (NP_000213.1, residues 327-347): DGENVDLIVE[Tyr337=]EAFPKPEHQQ